The following is an entry in ClinVar:

ClinVar aggregate classification (germline): Uncertain significance (1 of 4 stars; one submission).

Allele frequency attached by ClinVar (database versions not stated): ExAC 0.00002; gnomAD 0.00002; gnomAD exomes 0.00002; TOPMed 0.00004; ESP Exome Variant Server 0.00008; 1000 Genomes Project 30x 0.00016.
gnomAD v4.1: 32 of 1,614,190 alleles (0.002%); highest among the groups gnomAD compares: African/African-American, 0.0067%; no homozygotes.

Submission:

Labcorp Genetics (formerly Invitae), Labcorp
Classification: Uncertain significance. Last evaluated: 2022-11-23. Review status: criteria provided, single submitter. Criteria: Invitae Variant Classification Sherloc (09022015). Collection method: clinical testing. Allele origin: germline.
Comment: This sequence change replaces valine, which is neutral and non-polar, with isoleucine, which is neutral and non-polar, at codon 255 of the AGAP1 protein (p.Val255Ile). This variant is present in population databases (rs367742479, gnomAD 0.004%). This variant has not been reported in the literature in individuals affected with AGAP1-related conditions. Algorithms developed to predict the effect of missense changes on protein structure and function are either unavailable or do not agree on the potential impact of this missense change (SIFT: "Tolerated"; PolyPhen-2: "Possibly Damaging"; Align-GVGD: "Class C0"). In summary, the available evidence is currently insufficient to determine the role of this variant in disease. Therefore, it has been classified as a Variant of Uncertain Significance.

NM_001037131.3(AGAP1):c.763G>A (p.Val255Ile)

Gene: AGAP1 (ArfGAP with GTPase domain, ankyrin repeat and PH domain 1; plus strand). Cytogenetic location: 2q37.2.
Variant type: single nucleotide variant.
Coding change: c.763G>A on transcript NM_001037131.3 (MANE Select); coding-DNA position 763, G replaced by A.
Protein change: p.Val255Ile; replaces valine 255 with isoleucine.
Molecular consequence: missense variant.
Genome position (GRCh38, 1-based): chr2:235,797,848, G>A. VCF-style: chr2-235797848-G-A. GRCh37 (hg19) VCF-style: chr2-236706492-G-A.
Other names: c.763G>A, p.Val255Ile (NM_001244888.2, NM_001412122.1, NM_014914.5); short protein forms V255I.
Identifiers: ClinVar variation 2970465 (VCV002970465.3), dbSNP rs367742479, ClinGen allele CA2184558.
Genomic context (GRCh38, chr2:235,797,848, plus strand): 5'-AAGCAGCAGCTGTCCATAGGACCCTGCAAGTCGCTACCTAATTCTCCCAGCCATTCCTCC[G>A]TCTGTTCCGCGCAGGTGTCTGCCGTGCACATCAGCCAGGTACGTTAGGTGACATGAGAAG-3'
Protein context (NP_001032208.1, residues 245-265): SLPNSPSHSS[Val255Ile]CSAQVSAVHI